The following is an entry in ClinVar:

ClinVar aggregate classification (germline): Pathogenic/Likely pathogenic. Review status: criteria provided, multiple submitters, no conflicts (2 of 4 stars). 25 submissions from 25 submitters: Pathogenic (19); Likely pathogenic (2). 4 of the submissions do not count toward it. Last evaluated 2026-03-26.

Conditions:
ATL1-related disorder. Also called: ATL1-related condition.
Neuropathy, hereditary sensory, type 1D. Identifiers: Orphanet 36386, MedGen C3150972, MONDO:0013381, OMIM 613708.
Hereditary spastic paraplegia 3A (SPG3A). Also called: Spastic Paraplegia 3A; SPASTIC PARAPLEGIA 3, AUTOSOMAL DOMINANT; FAMILIAL SPASTIC PARAPLEGIA, AUTOSOMAL DOMINANT, 1; SPG3; STRUMPELL DISEASE; Spastic paraplegia 3A, autosomal dominant. Identifiers: Orphanet 100984, MedGen C2931355, MONDO:0008437, OMIM 182600.
Hereditary spastic paraplegia. Also called: Familial spastic paraparesis. Identifiers: Orphanet 685, MedGen C0037773, MONDO:0019064. Disease mechanism: loss of function.
Spastic paraplegia. Identifiers: MedGen C0037772, HP:0001258.

gnomAD v4.1: 1 of 1,612,120 alleles (0.000062%); highest among the groups gnomAD compares: Non-Finnish European, 0.000085%; no homozygotes.

Submissions 1 to 11 of 25:

PreventionGenetics, part of Exact Sciences
Classification: Pathogenic for ATL1-related condition. Last evaluated: 2026-03-26. Review status: criteria provided, single submitter. Criteria: ACMG Guidelines, 2015. Collection method: clinical testing. Allele origin: germline.
Comment: The ATL1 c.715C>T variant is predicted to result in the amino acid substitution p.Arg239Cys. This variant has been reported in multiple patients with autosomal dominant spastic paraplegia (Zhao et al. 2001. PubMed ID: 11685207; Botzolakis et al. 2011. PubMed ID: 20816793; Novarino et al. 2014. PubMed ID: 24482476; Ulengin et al. 2015. PubMed ID: 25761634). Various experimental studies indicate this variant impacts protein function (Botzolakis et al. 2011. PubMed ID: 20816793; Zhao. 2013. PubMed ID: 23079343). This variant has not been reported in a large population database (gnomAD) and is consistently reported in ClinVar as pathogenic by multiple outside laboratories (ClinVar: 4346). This variant is interpreted as pathogenic.

Labcorp Genetics (formerly Invitae), Labcorp
Classification: Pathogenic for Hereditary spastic paraplegia 3A. Last evaluated: 2025-12-26. Review status: criteria provided, single submitter. Criteria: Invitae Variant Classification Sherloc (09022015). Collection method: clinical testing. Allele origin: germline.
Comment: This sequence change replaces arginine, which is basic and polar, with cysteine, which is neutral and slightly polar, at codon 239 of the ATL1 protein (p.Arg239Cys). This variant is not present in population databases (gnomAD no frequency). This missense change has been observed in individual(s) with autosomal dominant hereditary spastic paraplegia (PMID: 14607301, 15517445, 19652243, 25637064). It has also been observed to segregate with disease in related individuals. ClinVar contains an entry for this variant (Variation ID: 4346). Invitae Evidence Modeling of protein sequence and biophysical properties (such as structural, functional, and spatial information, amino acid conservation, physicochemical variation, residue mobility, and thermodynamic stability) has been performed for this missense variant. However, the output from this modeling did not meet the statistical confidence thresholds required to predict the impact of this variant on ATL1 protein function. Experimental studies have shown that this missense change affects ATL1 function (PMID: 16537571, 20816793, 23079343). For these reasons, this variant has been classified as Pathogenic.

3billion
Classification: Pathogenic for Hereditary spastic paraplegia 3A. Last evaluated: 2025-10-23. Review status: criteria provided, single submitter. Criteria: ACMG Guidelines, 2015. Collection method: clinical testing. Allele origin: germline. Affected: yes.
Comment: The variant is observed at an extremely low frequency in the gnomAD v4.1.0 dataset (total allele frequency: <0.001%). Predicted Consequence/Location: Missense variant In silico tool predictions suggest damaging effect of the variant on gene or gene product [3Cnet: 0.87 (> 0.75, sensitivity 0.96 and precision 0.92)]. The same nucleotide change resulting in the same amino acid change has been previously reported as pathogenic/likely pathogenic with strong evidence (ClinVar ID: VCV000004346 /PMID: 11685207 /3billion dataset). The variant has been reported to co-segregate with the disease in at least 7 similarly affected relatives/individuals in at least two unrelated families (PMID: 11685207). Different missense changes at the same codon (p.Arg239His, p.Arg239Leu) have been reported as pathogenic/likely pathogenic with strong evidence (ClinVar ID: VCV000859493, VCV001017361). Therefore, this variant is classified as Pathogenic according to the recommendation of ACMG/AMP guideline.

Genomic Medicine Center of Excellence, King Faisal Specialist Hospital and Research Centre
Classification: Pathogenic for Hereditary spastic paraplegia 3A. Last evaluated: 2024-12-19. Review status: criteria provided, single submitter. Criteria: ACMG Guidelines, 2015. Collection method: clinical testing. Allele origin: germline.

Athena Diagnostics
Classification: Pathogenic. Last evaluated: 2024-08-07. Review status: criteria provided, single submitter. Criteria: Athena Diagnostics Criteria. Collection method: clinical testing. Allele origin: unknown.
Comment: This variant has not been reported in large, multi-ethnic general populations. This variant has been identified in multiple unrelated individuals with clinical features associated with autosomal dominant spastic paraplegia. This variant appears to occur de novo in one individual and segregates with disease in multiple families. In some published literature, this variant is referred to as c.883C>T. Assessment of experimental evidence suggests this variant results in abnormal protein function. (PMID: 23079343)

University of Science and Technology Houari Boumediene, Laboratory of Molecular and Cellular Biology (LBCM)
Classification: Pathogenic for Hereditary spastic paraplegia 3A. Last evaluated: 2024-04-23. Review status: criteria provided, single submitter. Criteria: ACMG Guidelines, 2015. Collection method: research. Allele origin: unknown. Inheritance: Sporadic. Affected: yes. Observed: 1 heterozygote.
Comment: This sequence change replaces arginine, which is basic and polar, with cysteine, which is neutral and slightly polar, at codon 239 of the ATL1 protein (p.Arg239Cys). This variant is predicted to be disease-causing by standard in silico prediction tools (CADD, SIFT, PolyPhen-2, and MutationTaster). ClinVar contains an entry for this variant (Variation ID: 4346), it’s classified as pathogenic/Likely Pathogenic. This variant is not reported in publicly available databases (1000 Genomes and gnomAD). This is a recurrent variant that has been observed in individuals with autosomal dominant hereditary spastic paraplegia (PMID: 14607301, 15517445, 16612642, 19652243, 20718791, 20932283, 20947813, 25637064). Experimental studies have shown that this missense change affects ATL1 function (PMID: 16537571, 17321752, 20816793, 23079343).

Molecular Genetics, Royal Melbourne Hospital
Classification: Pathogenic for Hereditary spastic paraplegia 3A. Last evaluated: 2023-07-07. Review status: criteria provided, single submitter. Criteria: ACMG Guidelines, 2015. Collection method: clinical testing. Allele origin: germline. Affected: yes.
Comment: P1: HP:0001258, P2: HP:0001258 This sequence change in ATL1 is predicted to replace arginine with cysteine at codon 239, p.(Arg239Cys). The arginine residue is highly conserved (100 vertebrates, UCSC), and is located in the GB1/RHD3-type G domain. There is a large physicochemical difference between arginine and cysteine. This variant is absent from gnomAD v2.1 and v3.1. This is a recurrent variant that has been reported in at least 15 probands/families with pure hereditary spastic paraplegia, and segregates with disease in multiple families (PMID: 15517445, 16612642, 19652243, 20718791, 20932283, 20947813, 25637064). Functional assays in heterologous systems showed impaired GTPase activity, and altered endoplasmic reticulum and Golgi morphology indicating that this variant impacts protein function (PMID: 16537571, 17321752). Computational evidence is uninformative for the missense substitution (REVEL=0.5). Based on the classification scheme RMH Modified ACMG Guidelines v1.6.1, this variant is classified as PATHOGENIC. Following criteria are met: PS4, PP1_Strong, PS3_Supporting, PM2_Supporting.

Neurometabolic Diseases Laboratory, Bellvitge Biomedical Research Institute (IDIBELL)
Classification: Pathogenic for Hereditary spastic paraplegia 3A. Last evaluated: 2023-04-27. Review status: criteria provided, single submitter. Criteria: ACMG Guidelines, 2015. Collection method: research. Allele origin: germline. Affected: yes.

MGZ Medical Genetics Center
Classification: Likely pathogenic for Hereditary spastic paraplegia 3A. Last evaluated: 2022-08-04. Review status: criteria provided, single submitter. Criteria: ACMG Guidelines, 2015. Collection method: clinical testing. Allele origin: germline. Affected: yes. Observed: 1 variant allele.
Comment: ACMG criteria applied: PP1_STR, PS4_MOD, PS3_SUP, PM2_SUP

Blueprint Genetics
Classification: Pathogenic for ATL1-related disorders. Last evaluated: 2022-03-18. Review status: criteria provided, single submitter. Criteria: ACMG Guidelines, 2015. Collection method: clinical testing. Allele origin: germline. Affected: yes. Observed: 3 variant alleles.

GeneDx
Classification: Pathogenic. Last evaluated: 2022-01-28. Review status: criteria provided, single submitter. Criteria: GeneDx Variant Classification Process June 2021. Collection method: clinical testing. Allele origin: germline. Affected: yes.
Comment: Published functional studies indicate that R239C causes protein sequestration in the Golgi complex (Botzolakis et al., 2011); Not observed in large population cohorts (gnomAD); In silico analysis supports that this missense variant has a deleterious effect on protein structure/function; This variant is associated with the following publications: (PMID: 15517445, 30778698, 19652243, 11685207, 23079343, 20947813, 20718791, 27260292, 27084228, 20816793, 25761634, 14607301, 31630374, 32277485, 32581362, 31216405, 34015694, 21194679, 23334294)

NM_015915.5(ATL1):c.715C>T (p.Arg239Cys)

Gene: ATL1 (atlastin GTPase 1; plus strand). Cytogenetic location: 14q22.1.
Variant type: single nucleotide variant.
Coding change: c.715C>T on transcript NM_015915.5 (MANE Select); coding-DNA position 715, C replaced by T.
Protein change: p.Arg239Cys; replaces arginine 239 with cysteine.
Molecular consequence: missense variant.
Genome position (GRCh38, 1-based): chr14:50,613,343, C>T. VCF-style: chr14-50613343-C-T. GRCh37 (hg19) VCF-style: chr14-51080061-C-T.
Other names: NM_001127713.1(ATL1):c.715C>T(p.Arg239Cys); NM_015915.4(ATL1):c.715C>T(p.Arg239Cys); NM_181598.3(ATL1):c.715C>T(p.Arg239Cys); c.715C>T, p.Arg239Cys (NM_001127713.1, NM_181598.4); short protein forms R239C.
Identifiers: ClinVar variation 4346 (VCV000004346.101), dbSNP rs119476046, ClinGen allele CA340228.